The following is an entry in ClinVar:

ClinVar aggregate classification (germline): Likely pathogenic (1 of 4 stars; one submission).

Conditions:
Ataxia-telangiectasia syndrome (AT). Also called: Cerebello-oculocutaneous telangiectasia; Immunodeficiency with ataxia telangiectasia; Ataxia-telangiectasia, complementation group D; AT, COMPLEMENTATION GROUP C; Ataxia-telangiectasia, complementation group E; LOUIS-BAR SYNDROME. Identifiers: Orphanet 100, MedGen C0004135, MONDO:0008840, OMIM 208900.

Submission:

Labcorp Genetics (formerly Invitae), Labcorp
Classification: Likely pathogenic for Ataxia-telangiectasia syndrome. Last evaluated: 2017-05-21. Review status: criteria provided, single submitter. Criteria: Invitae Variant Classification Sherloc (09022015). Collection method: clinical testing. Allele origin: germline.
Comment: Donor and acceptor splice site variants typically lead to a loss of protein function (PMID: 16199547), and loss-of-function variants in ATM are known to be pathogenic (PMID: 25614872, 23807571). In summary, the currently available evidence indicates that the variant is pathogenic, but additional data are needed to prove that conclusively. Therefore, this variant has been classified as Likely Pathogenic. This variant has not been reported in the literature in individuals with a ATM-related disease. This variant is not present in population databases (ExAC no frequency). This sequence change affects an acceptor splice site in intron 26 of the ATM gene. It is expected to disrupt RNA splicing and likely results in an absent or disrupted protein product.

Literature cited by the submitters: PubMed 16199547; PubMed 25614872; PubMed 23807571.

NM_000051.4(ATM):c.3747-3_3751del

Gene: ATM (ATM serine/threonine kinase; plus strand). Cytogenetic location: 11q22.3.
Variant type: Deletion.
Coding change: c.3747-3_3751del on transcript NM_000051.4 (MANE Select); 3 bases into the intron before coding-DNA position 3747 through coding-DNA position 3751, 8 bases deleted (TAGATCTT; older notation c.3747-3_3751delTAGATCTT).
Molecular consequence: splice acceptor variant.
Genome position (GRCh38, 1-based): chr11:108,284,224-108,284,231, TAGATCTT deleted; deleting any 8 consecutive bases within chr11:108,284,222-108,284,231 gives the same sequence; the c. name uses the placement nearest the transcript's 3' end. VCF-style (leftmost placement, unchanged base first): chr11-108284221-TTTTAGATC-T. GRCh37 (hg19) VCF-style: chr11-108154948-TTTTAGATC-T.
Other names: c.3747-3_3751del (NM_001351834.2).
Identifiers: ClinVar variation 453490 (VCV000453490.4), dbSNP rs1555093256, ClinGen allele CA658656246.